The following is an entry in ClinVar:

NM_000264.5(PTCH1):c.4030_4031delinsAA (p.Ala1344Asn)

Gene: PTCH1 (patched 1; minus strand). Cytogenetic location: 9q22.32.
Variant type: Indel.
Coding change: c.4030_4031delinsAA on transcript NM_000264.5 (MANE Select); coding-DNA positions 4030 to 4031, GC replaced by AA.
Protein change: p.Ala1344Asn; replaces alanine 1344 with asparagine.
Molecular consequence: missense variant. On other transcripts: non-coding transcript variant (1).
Genome position (GRCh38, 1-based): chr9:95,447,225-95,447,226, GC replaced by TT on the plus strand (GC replaced by AA on the coding strand, the reverse complement: PTCH1 is on the minus strand). VCF-style: chr9-95447225-GC-TT. GRCh37 (hg19) VCF-style: chr9-98209507-GC-TT.
Other names: c.3832_3833delinsAA, p.Ala1278Asn (NM_001083602.3); c.4027_4028delinsAA, p.Ala1343Asn (NM_001083603.3); c.3577_3578delinsAA, p.Ala1193Asn (NM_001083604.3, NM_001083605.3, NM_001083606.3 and 1 more transcripts); c.3874_3875delinsAA, p.Ala1292Asn (NM_001354918.2); c.4030_4031delinsAA (NM_000264.4); short protein forms A1344N, A1343N, A1193N, A1278N, A1292N.
Identifiers: ClinVar variation 4146879 (VCV004146879.2).

ClinVar aggregate classification (germline): Uncertain significance. Review status: criteria provided, multiple submitters, no conflicts (2 of 4 stars). 2 submissions from 2 submitters: Uncertain significance (2). Last evaluated 2025-08-26.

Conditions:
Hereditary cancer-predisposing syndrome. Also called: Hereditary neoplastic syndrome; Neoplastic Syndromes, Hereditary; Tumor predisposition; Hereditary Cancer Syndrome. Identifiers: Orphanet 140162, MedGen C0027672, MeSH D009386, MONDO:0015356.

Submissions (2):

Ambry Genetics
Classification: Uncertain significance for Hereditary cancer-predisposing syndrome. Last evaluated: 2025-08-26. Review status: criteria provided, single submitter. Criteria: Ambry Variant Classification Scheme 2023. Collection method: clinical testing. Allele origin: germline.
Comment: The c.4030_4031delGCinsAA variant (also known as p.A1344N), located in coding exon 23 of the PTCH1 gene, results from an in-frame deletion of GC and insertion of AA at nucleotide positions 4030 to 4031. This results in the substitution of the alanine residue for an asparagine residue at codon 1344, an amino acid with dissimilar properties. This amino acid position is not well conserved in available vertebrate species. In addition, this variant is predicted to be neutral by in silico analysis (Choi Y et al. PLoS ONE. 2012; 7(10):e46688). Based on the available evidence, the clinical significance of this variant remains unclear.

Quest Diagnostics Nichols Institute San Juan Capistrano
Classification: Uncertain significance. Last evaluated: 2025-01-28. Review status: criteria provided, single submitter. Criteria: Quest Diagnostics criteria. Collection method: clinical testing. Allele origin: unknown.
Comment: The PTCH1 c.4030_4031delinsAA (p.Ala1344Asn) variant, to the best of our knowledge, has not been reported in the published literature. It also has not been reported in large, multi-ethnic general populations (Genome Aggregation Database). Analysis of this variant using bioinformatics tools (i.e., MutationTaster and PolyPhen-2) for the prediction of the effect of amino acid changes on protein structure and function yielded predictions that this variant is benign. Based on the available information, we are unable to determine the clinical significance of this variant.